The following is an entry in ClinVar:

ClinVar aggregate classification (germline): Conflicting classifications of pathogenicity. Review status: criteria provided, conflicting classifications (1 of 4 stars). 6 submissions from 6 submitters: Likely pathogenic (4); Uncertain significance (2). Last evaluated 2025-12-23.

Conditions:
Developmental and epileptic encephalopathy 6B. Also called: Developmental and epileptic encephalopathy 6B, non-Dravet. Identifiers: MedGen C5543353, MONDO:0030268, OMIM 619317.
Early-infantile DEE. Also called: Early infantile epileptic encephalopathy; Ohtahara syndrome; Early infantile epileptic encephalopathy with suppression bursts. Identifiers: Orphanet 1934, MedGen C0393706, MONDO:0800491.
SCN1A-related disorder. Also called: SCN1A-related conditions; SCN1A-related condition; SCN1A-related disorders.
Inborn genetic diseases. Identifiers: MedGen C0950123, MeSH D030342.

Allele frequency attached by ClinVar (database versions not stated): ExAC 0.00001; gnomAD exomes 0.00001.
gnomAD v4.1: 4 of 1,614,112 alleles (0.00025%); highest among the groups gnomAD compares: East Asian, 0.0089%; no homozygotes.

Submissions (6):

GeneDx
Classification: Likely pathogenic. Last evaluated: 2025-12-23. Review status: criteria provided, single submitter. Criteria: GeneDx Variant Classification Process June 2021. Collection method: clinical testing. Allele origin: germline. Affected: yes.
Comment: Not observed at significant frequency in large population cohorts (gnomAD); This substitution is predicted to be within the transmembrane segment S6 of the second homologous domain; In silico analysis suggests that this missense variant does not alter protein structure/function; This variant is associated with the following publications: (PMID: 28202706, 31875159, 32613771, 34712263, 35074891, 28664031)

3billion
Classification: Likely pathogenic for SCN1A-related disorder. Last evaluated: 2025-10-08. Review status: criteria provided, single submitter. Criteria: ACMG Guidelines, 2015. Collection method: clinical testing. Allele origin: germline. Affected: yes.
Comment: The variant is observed at an extremely low frequency in the gnomAD v4.1.0 dataset (total allele frequency: <0.001%). Predicted Consequence/Location: Missense variant In silico tool predictions suggest damaging effect of the variant on gene or gene product [3Cnet: 1.00 (> 0.75, sensitivity 0.96 and precision 0.92)]. The same nucleotide change resulting in the same amino acid change has been previously reported as pathogenic/likely pathogenic with strong evidence (ClinVar ID: VCV001214836 /PMID: 28202706 /3billion dataset). A different missense change at the same codon (p.Val971Leu) has been reported to be associated with SCN1A-related disorder (PMID: 28469861). Therefore, this variant is classified as Likely pathogenic according to the recommendation of ACMG/AMP guideline.

Labcorp Genetics (formerly Invitae), Labcorp
Classification: Likely pathogenic for Early-infantile DEE. Last evaluated: 2025-03-19. Review status: criteria provided, single submitter. Criteria: Invitae Variant Classification Sherloc (09022015). Collection method: clinical testing. Allele origin: germline.
Comment: This sequence change replaces valine, which is neutral and non-polar, with isoleucine, which is neutral and non-polar, at codon 971 of the SCN1A protein (p.Val971Ile). This variant is present in population databases (rs748816300, gnomAD 0.01%). This missense change has been observed in individuals with clinical features of autosomal dominant SCN1A-related conditions (PMID: 28202706, 28664031, 31875159, 32613771, 35074891; internal data). ClinVar contains an entry for this variant (Variation ID: 1214836). Invitae Evidence Modeling of protein sequence and biophysical properties (such as structural, functional, and spatial information, amino acid conservation, physicochemical variation, residue mobility, and thermodynamic stability) has been performed for this missense variant. However, the output from this modeling did not meet the statistical confidence thresholds required to predict the impact of this variant on SCN1A protein function. This variant disrupts the p.Val971 amino acid residue in SCN1A. Other variant(s) that disrupt this residue have been observed in individuals with SCN1A-related conditions (PMID: 28469861), which suggests that this may be a clinically significant amino acid residue. In summary, the currently available evidence indicates that the variant is pathogenic, but additional data are needed to prove that conclusively. Therefore, this variant has been classified as Likely Pathogenic.

Blueprint Genetics
Classification: Uncertain significance. Last evaluated: 2024-06-20. Review status: criteria provided, single submitter. Criteria: ACMG Guidelines, 2015. Collection method: clinical testing. Allele origin: germline.

Pittsburgh Clinical Genomics Laboratory, University of Pittsburgh Medical Center
Classification: Likely pathogenic for Developmental and epileptic encephalopathy 6B. Last evaluated: 2023-11-24. Review status: criteria provided, single submitter. Criteria: ACMG Guidelines, 2015. Collection method: clinical testing. Allele origin: germline. Inheritance: Autosomal dominant inheritance. Affected: yes.
Comment: This sequence variant is a single nucleotide substitution (G>A) at position 2911 of the coding sequence of the SCN1A gene that results in a valine to isoleucine amino acid change at residue 971 of the sodium voltage-gated channel alpha subunit 1 protein. The 971 residue falls in a transmembrane domain in SCN1A's second ion conducting pore (PMID: 31782251). This is a previously reported variant (ClinVar 1214836) that has been observed in individuals affected by seizures (PMID: 32613771, 31875159, 28202706, 28664031). This variant is present in 2 of 251,476 alleles (0.0008%) in the gnomAD population dataset. Multiple bioinformatic tools predict that this Val to Ile amino acid change would be damaging, and the Val971 residue at this position is highly conserved across the vertebrate species examined. Studies examining the functional consequence of this variant have not been published, to our knowledge. Based upon the evidence, we consider this variant to be likely pathogenic. ACMG Criteria: PM2, PP3, PS4

Ambry Genetics
Classification: Uncertain significance for Inborn genetic diseases. Last evaluated: 2023-07-07. Review status: criteria provided, single submitter. Criteria: Ambry Variant Classification Scheme 2023. Collection method: clinical testing. Allele origin: germline.
Comment: The c.2911G>A (p.V971I) alteration is located in exon 15 (coding exon 15) of the SCN1A gene. This alteration results from a G to A substitution at nucleotide position 2911, causing the valine (V) at amino acid position 971 to be replaced by an isoleucine (I). Based on data from gnomAD, the A allele has an overall frequency of 0.001% (2/251476) total alleles studied. The highest observed frequency was 0.011% (2/18394) of East Asian alleles. This alteration has been reported in multiple individuals with epilepsy/seizures (Cetica, 2017; Lee, 2017; Kang, 2019; Lee, 2020; Brunklaus, 2022). Another alteration at the same codon, c.2911G>C (p.V971L), has been reported de novo in a child with Dravet syndrome (Poryo, 2017). This amino acid position is well conserved in available vertebrate species. This missense alteration is located in a region that has a low rate of benign missense variation (Lek, 2016; Firth, 2009). The in silico prediction for this alteration is inconclusive. Based on insufficient or conflicting evidence, the clinical significance of this alteration remains unclear.

Literature cited by the submitters: PubMed 28469861 (cited by 3 submitters); PubMed 28202706 (cited by 4 submitters); PubMed 28664031 (cited by 3 submitters); PubMed 31875159 (cited by 3 submitters); PubMed 32613771 (cited by 3 submitters); PubMed 35074891 (cited by Labcorp Genetics (formerly Invitae), Labcorp and Ambry Genetics); PubMed 31782251 (cited by Pittsburgh Clinical Genomics Laboratory, University of Pittsburgh Medical Center).

NM_001165963.4(SCN1A):c.2911G>A (p.Val971Ile)

Gene: SCN1A (sodium voltage-gated channel alpha subunit 1; minus strand). Cytogenetic location: 2q24.3.
Variant type: single nucleotide variant.
Coding change: c.2911G>A on transcript NM_001165963.4 (MANE Select); coding-DNA position 2911, G replaced by A.
Protein change: p.Val971Ile; replaces valine 971 with isoleucine.
Molecular consequence: missense variant. On other transcripts: non-coding transcript variant (1).
Genome position (GRCh38, 1-based): chr2:166,037,811, C>T on the plus strand (G>A on the coding strand, the complement: SCN1A is on the minus strand). VCF-style: chr2-166037811-C-T. GRCh37 (hg19) VCF-style: chr2-166894321-C-T.
Other names: c.2827G>A, p.Val943Ile (NM_001165964.3, NM_001353957.2, NM_001353958.2); c.2911G>A, p.Val971Ile (NM_001202435.3, NM_001353948.2); c.2878G>A, p.Val960Ile (NM_001353949.2, NM_001353950.2, NM_001353951.2 and 2 more transcripts); c.2875G>A, p.Val959Ile (NM_001353954.2, NM_001353955.2); c.2824G>A, p.Val942Ile (NM_001353960.2); c.469G>A, p.Val157Ile (NM_001353961.2); short protein forms V157I, V942I, V943I, V959I, V960I, V971I.
Identifiers: ClinVar variation 1214836 (VCV001214836.16), dbSNP rs748816300, ClinGen allele CA1943040.